The following is an entry in ClinVar:

ClinVar aggregate classification (germline): Uncertain significance (1 of 4 stars; one submission).

gnomAD v4.1: 2 of 1,613,850 alleles (0.00012%); highest among the groups gnomAD compares: Non-Finnish European, 0.00017%; no homozygotes.

Submission:

Ambry Genetics
Classification: Uncertain significance. Last evaluated: 2026-08-27. Review status: criteria provided, single submitter. Criteria: Ambry Variant Classification Scheme 2023. Collection method: clinical testing. Allele origin: germline.
Comment: The c.2219G>T (p.S740I) alteration is located in exon 7 (coding exon 7) of the NEDD4 gene. This alteration results from a G to T substitution at nucleotide position 2219, causing the serine (S) at amino acid position 740 to be replaced by an isoleucine (I). Based on data from gnomAD, the T allele has an overall frequency of 0.003% (1/31410) total alleles studied. The highest observed frequency was 0.007% (1/15432) of European (non-Finnish) alleles. Based on insufficient or conflicting evidence, the clinical significance of this alteration remains unclear.

NM_006154.4(NEDD4):c.1178G>T (p.Ser393Ile)

Gene: NEDD4 (NEDD4 E3 ubiquitin protein ligase; minus strand). Cytogenetic location: 15q21.3.
Variant type: single nucleotide variant.
Coding change: c.1178G>T on transcript NM_006154.4 (MANE Select); coding-DNA position 1178, G replaced by T.
Protein change: p.Ser393Ile; replaces serine 393 with isoleucine.
Molecular consequence: missense variant. On other transcripts: non-coding transcript variant (1).
Genome position (GRCh38, 1-based): chr15:55,850,711, C>A on the plus strand (G>T on the coding strand, the complement: NEDD4 is on the minus strand). VCF-style: chr15-55850711-C-A. GRCh37 (hg19) VCF-style: chr15-56142909-C-A.
Other names: c.2435G>T, p.Ser812Ile (NM_001284338.2); c.2387G>T, p.Ser796Ile (NM_001284339.1); c.2384G>T, p.Ser795Ile (NM_001284340.1); c.737G>T, p.Ser246Ile (NM_001329212.2); c.2219G>T, p.Ser740Ile (NM_198400.3); short protein forms S740I, S246I, S812I, S795I, S393I, S796I.
Identifiers: ClinVar variation 5025475 (VCV005025475.1).